The following is an entry in ClinVar:

NM_017802.4(DNAAF5):c.743C>A (p.Ser248Tyr)

Gene: DNAAF5 (dynein axonemal assembly factor 5; plus strand). Cytogenetic location: 7p22.3.
Variant type: single nucleotide variant.
Coding change: c.743C>A on transcript NM_017802.4 (MANE Select); coding-DNA position 743, C replaced by A.
Protein change: p.Ser248Tyr; replaces serine 248 with tyrosine.
Molecular consequence: missense variant. On other transcripts: non-coding transcript variant (1).
Genome position (GRCh38, 1-based): chr7:729,810, C>A. VCF-style: chr7-729810-C-A. GRCh37 (hg19) VCF-style: chr7-769447-C-A.
Other names: short protein forms S248Y.
Identifiers: ClinVar variation 2006945 (VCV002006945.4), dbSNP rs1429128654, ClinGen allele CA366532096.

ClinVar aggregate classification (germline): Uncertain significance (1 of 4 stars; one submission).

Conditions:
Primary ciliary dyskinesia. Also called: Ciliary dyskinesia. Identifiers: Orphanet 244, MedGen C0008780, MONDO:0016575, HP:0012265.

Submission:

Labcorp Genetics (formerly Invitae), Labcorp
Classification: Uncertain significance for Primary ciliary dyskinesia. Last evaluated: 2022-06-15. Review status: criteria provided, single submitter. Criteria: Invitae Variant Classification Sherloc (09022015). Collection method: clinical testing. Allele origin: germline.
Comment: In summary, the available evidence is currently insufficient to determine the role of this variant in disease. Therefore, it has been classified as a Variant of Uncertain Significance. Algorithms developed to predict the effect of missense changes on protein structure and function are either unavailable or do not agree on the potential impact of this missense change (SIFT: "Deleterious"; PolyPhen-2: "Probably Damaging"; Align-GVGD: "Class C0"). This variant has not been reported in the literature in individuals affected with DNAAF5-related conditions. This variant is not present in population databases (gnomAD no frequency). This sequence change replaces serine, which is neutral and polar, with tyrosine, which is neutral and polar, at codon 248 of the DNAAF5 protein (p.Ser248Tyr).